The following is an entry in ClinVar:

NM_001029896.2(WDR45):c.725+6C>T

Gene: WDR45 (WD repeat domain 45; minus strand). Cytogenetic location: Xp11.23.
Variant type: single nucleotide variant.
Coding change: c.725+6C>T on transcript NM_001029896.2 (MANE Select); 6 bases into the intron after coding-DNA position 725, C replaced by T.
Molecular consequence: intron variant.
Genome position (GRCh38, 1-based): chrX:49,075,539, G>A on the plus strand (C>T on the coding strand, the complement: WDR45 is on the minus strand). VCF-style: chrX-49075539-G-A. GRCh37 (hg19) VCF-style: chrX-48933198-G-A.
Other names: c.728+6C>T (NM_007075.4).
Identifiers: ClinVar variation 2832826 (VCV002832826.3), dbSNP rs1557084026, ClinGen allele CA641902639.

ClinVar aggregate classification (germline): Uncertain significance (1 of 4 stars; one submission).

Conditions:
Neurodegeneration with brain iron accumulation 5 (NBIA5). Also called: STATIC ENCEPHALOPATHY OF CHILDHOOD WITH NEURODEGENERATION IN ADULTHOOD; Beta-propeller protein-associated neurodegeneration. Identifiers: Orphanet 329284, MedGen C3550973, MONDO:0010476, OMIM 300894.

Allele frequency attached by ClinVar (database versions not stated): gnomAD exomes below 0.00001.
gnomAD v4.1: 2 of 1,211,515 alleles (0.00017%); highest among the groups gnomAD compares: South Asian, 0.0035%; no homozygotes.

Submission:

Labcorp Genetics (formerly Invitae), Labcorp
Classification: Uncertain significance for Neurodegeneration with brain iron accumulation 5. Last evaluated: 2025-01-13. Review status: criteria provided, single submitter. Criteria: Invitae Variant Classification Sherloc (09022015). Collection method: clinical testing. Allele origin: germline.
Comment: This sequence change falls in intron 9 of the WDR45 gene. It does not directly change the encoded amino acid sequence of the WDR45 protein. It affects a nucleotide within the consensus splice site. This variant is present in population databases (no rsID available, gnomAD 0.005%). This variant has not been reported in the literature in individuals affected with WDR45-related conditions. ClinVar contains an entry for this variant (Variation ID: 2832826). Variants that disrupt the consensus splice site are a relatively common cause of aberrant splicing (PMID: 17576681, 9536098). Algorithms developed to predict the effect of sequence changes on RNA splicing suggest that this variant is not likely to affect RNA splicing. In summary, the available evidence is currently insufficient to determine the role of this variant in disease. Therefore, it has been classified as a Variant of Uncertain Significance.

Literature cited by the submitters: PubMed 17576681; PubMed 9536098.